The following is an entry in ClinVar:

ClinVar aggregate classification (germline): Uncertain significance (1 of 4 stars; one submission).

Submission:

Ambry Genetics
Classification: Uncertain significance. Last evaluated: 2025-02-06. Review status: criteria provided, single submitter. Criteria: Ambry Variant Classification Scheme 2023. Collection method: clinical testing. Allele origin: germline.
Comment: The p.V355A variant (also known as c.1064T>C), located in coding exon 1 of the MLH3 gene, results from a T to C substitution at nucleotide position 1064. The valine at codon 355 is replaced by alanine, an amino acid with similar properties. This amino acid position is conserved. In addition, this alteration is predicted to be tolerated by in silico analysis. Based on the available evidence, the clinical significance of this variant remains unclear.

NM_001040108.2(MLH3):c.1064T>C (p.Val355Ala)

Gene: MLH3 (mutL homolog 3; minus strand). Cytogenetic location: 14q24.3.
Variant type: single nucleotide variant.
Coding change: c.1064T>C on transcript NM_001040108.2 (MANE Select); coding-DNA position 1064, T replaced by C.
Protein change: p.Val355Ala; replaces valine 355 with alanine.
Molecular consequence: missense variant.
Genome position (GRCh38, 1-based): chr14:75,048,592, A>G on the plus strand (T>C on the coding strand, the complement: MLH3 is on the minus strand). VCF-style: chr14-75048592-A-G. GRCh37 (hg19) VCF-style: chr14-75515295-A-G.
Other names: c.1064T>C, p.Val355Ala (NM_014381.3); short protein forms V355A.
Identifiers: ClinVar variation 3873516 (VCV003873516.1).